The following is an entry in ClinVar:

NM_139343.3(BIN1):c.1429C>A (p.Pro477Thr)

Gene: BIN1 (bridging integrator 1; minus strand). Cytogenetic location: 2q14.3.
Variant type: single nucleotide variant.
Coding change: c.1429C>A on transcript NM_139343.3 (MANE Select); coding-DNA position 1429, C replaced by A.
Protein change: p.Pro477Thr; replaces proline 477 with threonine.
Molecular consequence: missense variant. On other transcripts: intron variant (3).
Genome position (GRCh38, 1-based): chr2:127,051,186, G>T on the plus strand (C>A on the coding strand, the complement: BIN1 is on the minus strand). VCF-style: chr2-127051186-G-T. GRCh37 (hg19) VCF-style: chr2-127808762-G-T.
Other names: c.1141C>A, p.Pro381Thr (NM_139346.3); c.1204C>A, p.Pro402Thr (NM_139347.3); c.1096C>A, p.Pro366Thr (NM_139348.3); c.1075C>A, p.Pro359Thr (NM_139349.3); c.967C>A, p.Pro323Thr (NM_139350.3); c.838-274C>A (NM_001320634.1); c.910-274C>A (NM_139351.3); c.955-274C>A (NM_001320632.2); and 7 more; short protein forms P323T, P397T, P359T, P381T, P402T, P354T, P366T, P434T.
Identifiers: ClinVar variation 3725467 (VCV003725467.2).

ClinVar aggregate classification (germline): Uncertain significance (1 of 4 stars; one submission).

Conditions:
Myopathy, centronuclear, 2 (CNM2). Also called: MYOTUBULAR MYOPATHY, AUTOSOMAL RECESSIVE. Identifiers: Orphanet 169186, MedGen CN031787, MONDO:0009709, OMIM 255200.

Submission:

Labcorp Genetics (formerly Invitae), Labcorp
Classification: Uncertain significance for Myopathy, centronuclear, 2. Last evaluated: 2024-11-18. Review status: criteria provided, single submitter. Criteria: Invitae Variant Classification Sherloc (09022015). Collection method: clinical testing. Allele origin: germline.
Comment: This sequence change replaces proline, which is neutral and non-polar, with threonine, which is neutral and polar, at codon 477 of the BIN1 protein (p.Pro477Thr). This variant is not present in population databases (gnomAD no frequency). This variant has not been reported in the literature in individuals affected with BIN1-related conditions. An algorithm developed to predict the effect of missense changes on protein structure and function (PolyPhen-2) suggests that this variant is likely to be tolerated. In summary, the available evidence is currently insufficient to determine the role of this variant in disease. Therefore, it has been classified as a Variant of Uncertain Significance.